The following is an entry in ClinVar:

NM_033004.4(NLRP1):c.1228G>C (p.Asp410His)

Gene: NLRP1 (NLR family pyrin domain containing 1; minus strand). Cytogenetic location: 17p13.2.
Variant type: single nucleotide variant.
Coding change: c.1228G>C on transcript NM_033004.4 (MANE Select); coding-DNA position 1228, G replaced by C.
Protein change: p.Asp410His; replaces aspartic acid 410 with histidine.
Molecular consequence: missense variant.
Genome position (GRCh38, 1-based): chr17:5,559,468, C>G on the plus strand (G>C on the coding strand, the complement: NLRP1 is on the minus strand). VCF-style: chr17-5559468-C-G. GRCh37 (hg19) VCF-style: chr17-5462788-C-G.
Other names: c.1228G>C, p.Asp410His (NM_001033053.3, NM_014922.5, NM_033006.4 and 1 more transcripts); short protein forms D410H.
Identifiers: ClinVar variation 2810378 (VCV002810378.3), dbSNP rs199904472, ClinGen allele CA397386485.

ClinVar aggregate classification (germline): Uncertain significance (1 of 4 stars; one submission).

Submission:

Labcorp Genetics (formerly Invitae), Labcorp
Classification: Uncertain significance. Last evaluated: 2022-10-28. Review status: criteria provided, single submitter. Criteria: Invitae Variant Classification Sherloc (09022015). Collection method: clinical testing. Allele origin: germline.
Comment: In summary, the available evidence is currently insufficient to determine the role of this variant in disease. Therefore, it has been classified as a Variant of Uncertain Significance. Algorithms developed to predict the effect of missense changes on protein structure and function (SIFT, PolyPhen-2, Align-GVGD) all suggest that this variant is likely to be disruptive. This variant has not been reported in the literature in individuals affected with NLRP1-related conditions. This variant is not present in population databases (gnomAD no frequency). This sequence change replaces aspartic acid, which is acidic and polar, with histidine, which is basic and polar, at codon 410 of the NLRP1 protein (p.Asp410His).